The following is an entry in ClinVar:

NM_006118.4(HAX1):c.835C>T (p.Arg279Trp)

Gene: HAX1 (HCLS1 associated protein X-1; plus strand). Cytogenetic location: 1q21.3.
Variant type: single nucleotide variant.
Coding change: c.835C>T on transcript NM_006118.4 (MANE Select); coding-DNA position 835, C replaced by T.
Protein change: p.Arg279Trp; replaces arginine 279 with tryptophan.
Molecular consequence: missense variant.
Genome position (GRCh38, 1-based): chr1:154,275,696, C>T. VCF-style: chr1-154275696-C-T. GRCh37 (hg19) VCF-style: chr1-154248172-C-T.
Other names: c.691C>T, p.Arg231Trp (NM_001018837.2); short protein forms R231W, R279W.
Identifiers: ClinVar variation 969059 (VCV000969059.8), dbSNP rs780000169, ClinGen allele CA1127485.

ClinVar aggregate classification (germline): Uncertain significance. Review status: criteria provided, multiple submitters, no conflicts (2 of 4 stars). 3 submissions from 3 submitters: Uncertain significance (2). 1 of the submissions does not count toward it. Last evaluated 2025-04-12.

Conditions:
Inborn genetic diseases. Identifiers: MedGen C0950123, MeSH D030342.
Kostmann syndrome (SCN3). Also called: KOSTMANN DISEASE; Autosomal recessive severe congenital neutropenia type 3. Identifiers: Orphanet 99749, MedGen C5235141, MONDO:0012548, OMIM 610738.

Allele frequency attached by ClinVar (database versions not stated): gnomAD 0.00005; ExAC 0.00006; gnomAD exomes 0.00006; TOPMed 0.00006.

Submissions (3):

Ambry Genetics
Classification: Uncertain significance for Inborn genetic diseases. Last evaluated: 2025-04-12. Review status: criteria provided, single submitter. Criteria: Ambry Variant Classification Scheme 2023. Collection method: clinical testing. Allele origin: germline.

Labcorp Genetics (formerly Invitae), Labcorp
Classification: Uncertain significance for Kostmann syndrome. Last evaluated: 2022-11-01. Review status: criteria provided, single submitter. Criteria: Invitae Variant Classification Sherloc (09022015). Collection method: clinical testing. Allele origin: germline.
Comment: This sequence change replaces arginine, which is basic and polar, with tryptophan, which is neutral and slightly polar, at codon 279 of the HAX1 protein (p.Arg279Trp). This variant is present in population databases (rs780000169, gnomAD 0.06%). This variant has not been reported in the literature in individuals affected with HAX1-related conditions. ClinVar contains an entry for this variant (Variation ID: 969059). Algorithms developed to predict the effect of missense changes on protein structure and function output the following: SIFT: "Tolerated"; PolyPhen-2: "Probably Damaging"; Align-GVGD: "Class C0". The tryptophan amino acid residue is found in multiple mammalian species, which suggests that this missense change does not adversely affect protein function. In summary, the available evidence is currently insufficient to determine the role of this variant in disease. Therefore, it has been classified as a Variant of Uncertain Significance.

Natera, Inc.
Classification: Uncertain significance for Autosomal recessive severe congenital neutropenia type 3. Last evaluated: 2020-02-04. Review status: no assertion criteria provided. Collection method: clinical testing. Allele origin: germline. Not counted in ClinVar's aggregate classification.